The following is an entry in ClinVar:

ClinVar aggregate classification (germline): Benign/Likely benign. Review status: criteria provided, multiple submitters, no conflicts (2 of 4 stars). 8 submissions from 8 submitters: Benign (1); Likely benign (3). 4 of the submissions do not count toward it. Last evaluated 2026-01-15.

Conditions:
AMER1-related disorder. Also called: AMER1-related condition.
Osteopathia striata with cranial sclerosis (OSCS). Also called: HYPEROSTOSIS GENERALISATA WITH STRIATIONS. Identifiers: Orphanet 2780, MedGen C0432268, MONDO:0010310, OMIM 300373.

Allele frequency attached by ClinVar (database versions not stated): 1000 Genomes Project 30x 0.00021; 1000 Genomes Project 0.00026; TOPMed 0.00120; gnomAD 0.00145 and 0.00149; ESP Exome Variant Server 0.00180.
gnomAD v4.1: 2,204 of 1,210,471 alleles (0.18%); highest among the groups gnomAD compares: Non-Finnish European, 0.21%; 2 homozygotes.

Submissions (8):

Labcorp Genetics (formerly Invitae), Labcorp
Classification: Benign. Last evaluated: 2026-01-15. Review status: criteria provided, single submitter. Criteria: Invitae Variant Classification Sherloc (09022015). Collection method: clinical testing. Allele origin: germline.

Blueprint Genetics
Classification: Likely benign. Last evaluated: 2024-11-19. Review status: criteria provided, single submitter. Criteria: ACMG Guidelines, 2015. Collection method: clinical testing. Allele origin: germline.

Fulgent Genetics
Classification: Likely benign for Osteopathia striata with cranial sclerosis. Last evaluated: 2021-11-18. Review status: criteria provided, single submitter. Criteria: ACMG Guidelines, 2015. Collection method: clinical testing. Allele origin: unknown.

Mendelics
Classification: Likely benign for Osteopathia striata with cranial sclerosis. Last evaluated: 2019-05-28. Review status: criteria provided, single submitter. Criteria: Mendelics Assertion Criteria 2017. Collection method: clinical testing. Allele origin: unknown.

PreventionGenetics, part of Exact Sciences
Classification: Likely benign for AMER1-related condition. Last evaluated: 2020-08-31. Review status: no assertion criteria provided. Collection method: clinical testing. Allele origin: germline. Not counted in ClinVar's aggregate classification.
Comment: This variant is classified as likely benign based on ACMG/AMP sequence variant interpretation guidelines (Richards et al. 2015 PMID: 25741868, with internal and published modifications).

Clinical Genetics DNA and cytogenetics Diagnostics Lab, Erasmus MC, Erasmus Medical Center
Classification: Likely benign. Review status: no assertion criteria provided. Collection method: clinical testing. Allele origin: germline. Affected: yes. Study: VKGL Data-share Consensus. Not counted in ClinVar's aggregate classification.

Genome Diagnostics Laboratory, University Medical Center Utrecht
Classification: Likely benign. Review status: no assertion criteria provided. Collection method: clinical testing. Allele origin: germline. Affected: yes. Study: VKGL Data-share Consensus. Not counted in ClinVar's aggregate classification.

Laboratory of Diagnostic Genome Analysis, Leiden University Medical Center (LUMC)
Classification: Likely benign. Review status: no assertion criteria provided. Collection method: clinical testing. Allele origin: germline. Affected: yes. Study: VKGL Data-share Consensus. Not counted in ClinVar's aggregate classification.

NM_152424.4(AMER1):c.401A>C (p.His134Pro)

Gene: AMER1 (APC membrane recruitment protein 1; minus strand). Cytogenetic location: Xq11.2.
Variant type: single nucleotide variant.
Coding change: c.401A>C on transcript NM_152424.4 (MANE Select); coding-DNA position 401, A replaced by C.
Protein change: p.His134Pro; replaces histidine 134 with proline.
Molecular consequence: missense variant.
Genome position (GRCh38, 1-based): chrX:64,192,886, T>G on the plus strand (A>C on the coding strand, the complement: AMER1 is on the minus strand). VCF-style: chrX-64192886-T-G. GRCh37 (hg19) VCF-style: chrX-63412766-T-G.
Other names: short protein forms H134P.
Identifiers: ClinVar variation 784730 (VCV000784730.17), dbSNP rs146489129, ClinGen allele CA10432489.